The following is an entry in ClinVar:

ClinVar aggregate classification (germline): Likely pathogenic (1 of 4 stars; one submission).

Conditions:
NEK8-related disorder. Also called: NEK8-related condition.

Submission:

PreventionGenetics, part of Exact Sciences
Classification: Likely pathogenic for NEK8-related condition. Last evaluated: 2026-08-03. Review status: criteria provided, single submitter. Criteria: ACMG Guidelines, 2015. Collection method: clinical testing. Allele origin: germline.
Comment: The NEK8 c.933delG variant is predicted to result in a frameshift and premature protein termination (p.Ser312Argfs*50). To our knowledge, this variant has not been reported in the literature. This variant is reported in 0.0062% of alleles in individuals of African descent in gnomAD. Frameshift variants in NEK8 are expected to be pathogenic. This variant is interpreted as likely pathogenic.

NM_178170.3(NEK8):c.933del (p.Ser312fs)

Gene: NEK8 (NIMA related kinase 8; plus strand). Cytogenetic location: 17q11.2.
Variant type: Deletion.
Coding change: c.933del on transcript NM_178170.3 (MANE Select); coding-DNA position 933, one base deleted (G; older notation c.933delG).
Protein change: p.Ser312fs; shifts the reading frame from serine 312.
Molecular consequence: frameshift variant.
Genome position (GRCh38, 1-based): chr17:28,737,862, G deleted. VCF-style (leftmost placement, unchanged base first): chr17-28737861-TG-T. GRCh37 (hg19) VCF-style: chr17-27064879-TG-T.
Other names: short protein forms S312fs.
Identifiers: ClinVar variation 4985444 (VCV004985444.1).